The following is an entry in ClinVar:

NM_020433.5(JPH2):c.899G>T (p.Arg300Leu)

Gene: JPH2 (junctophilin 2; minus strand). Cytogenetic location: 20q13.12.
Variant type: single nucleotide variant.
Coding change: c.899G>T on transcript NM_020433.5 (MANE Select); coding-DNA position 899, G replaced by T.
Protein change: p.Arg300Leu; replaces arginine 300 with leucine.
Molecular consequence: missense variant.
Genome position (GRCh38, 1-based): chr20:44,159,888, C>A on the plus strand (G>T on the coding strand, the complement: JPH2 is on the minus strand). VCF-style: chr20-44159888-C-A. GRCh37 (hg19) VCF-style: chr20-42788528-C-A.
Other names: short protein forms R300L.
Identifiers: ClinVar variation 4089451 (VCV004089451.1).

ClinVar aggregate classification (germline): Uncertain significance (1 of 4 stars; one submission).

Conditions:
Cardiovascular phenotype. Identifiers: MedGen CN230736.

gnomAD v4.1: 3 of 1,613,284 alleles (0.00019%); highest among the groups gnomAD compares: South Asian, 0.0022%; no homozygotes.

Submission:

Ambry Genetics
Classification: Uncertain significance for Cardiovascular phenotype. Last evaluated: 2025-08-03. Review status: criteria provided, single submitter. Criteria: Ambry Variant Classification Scheme 2023. Collection method: clinical testing. Allele origin: germline.
Comment: The p.R300L variant (also known as c.899G>T), located in coding exon 2 of the JPH2 gene, results from a G to T substitution at nucleotide position 899. The arginine at codon 300 is replaced by leucine, an amino acid with dissimilar properties. This amino acid position is conserved. In addition, this alteration is predicted to be deleterious by in silico analysis. Based on the available evidence, the clinical significance of this variant remains unclear.